The following is an entry in ClinVar:

ClinVar aggregate classification (germline): Uncertain significance. Review status: criteria provided, multiple submitters, no conflicts (2 of 4 stars). 2 submissions from 2 submitters: Uncertain significance (2). Last evaluated 2024-03-24.

Conditions:
Lynch syndrome. Identifiers: Orphanet 144, MedGen C4552100, MONDO:0005835. Disease mechanism: loss of function.
Hereditary nonpolyposis colorectal neoplasms. Identifiers: MedGen C0009405, MeSH D003123.

Submissions (2):

All of Us Research Program, National Institutes of Health
Classification: Uncertain significance for Lynch syndrome. Last evaluated: 2024-03-24. Review status: criteria provided, single submitter. Criteria: ACMG Guidelines, 2015. Collection method: clinical testing. Allele origin: germline. Inheritance: Autosomal dominant inheritance. Observed: 1 variant allele, 1 heterozygote.
Comment: This missense variant replaces phenylalanine with leucine at codon 562 of the PMS2 protein. Computational prediction suggests that this variant may not impact protein structure and function (internally defined REVEL score threshold <= 0.5, PMID: 27666373). To our knowledge, functional studies have not been reported for this variant. This variant has not been reported in individuals affected with PMS2-related disorders in the literature. This variant has not been identified in the general population by the Genome Aggregation Database (gnomAD). The available evidence is insufficient to determine the role of this variant in disease conclusively. Therefore, this variant is classified as a Variant of Uncertain Significance.

This study involves interpretation of variants in research participants for the purpose of population health screening. Participant phenotype was not available at the time of variant classification. Additional details can be found in publication PMID: 35346344, PMCID: PMC8962531

Labcorp Genetics (formerly Invitae), Labcorp
Classification: Uncertain significance for Hereditary nonpolyposis colorectal neoplasms. Last evaluated: 2018-10-29. Review status: criteria provided, single submitter. Criteria: Invitae Variant Classification Sherloc (09022015). Collection method: clinical testing. Allele origin: germline.
Comment: Algorithms developed to predict the effect of missense changes on protein structure and function (SIFT, PolyPhen-2, Align-GVGD) all suggest that this variant is likely to be tolerated, but these predictions have not been confirmed by published functional studies and their clinical significance is uncertain. In summary, the available evidence is currently insufficient to determine the role of this variant in disease. Therefore, it has been classified as a Variant of Uncertain Significance. This variant has not been reported in the literature in individuals with PMS2-related disease. This variant is not present in population databases (ExAC no frequency). This sequence change replaces phenylalanine with leucine at codon 562 of the PMS2 protein (p.Phe562Leu). The phenylalanine residue is weakly conserved and there is a small physicochemical difference between phenylalanine and leucine.

NM_000535.7(PMS2):c.1684T>C (p.Phe562Leu)

Gene: PMS2 (PMS1 homolog 2, mismatch repair system component; minus strand). Cytogenetic location: 7p22.1.
Variant type: single nucleotide variant.
Coding change: c.1684T>C on transcript NM_000535.7 (MANE Select); coding-DNA position 1684, T replaced by C.
Protein change: p.Phe562Leu; replaces phenylalanine 562 with leucine.
Molecular consequence: missense variant. On other transcripts: non-coding transcript variant (1).
Genome position (GRCh38, 1-based): chr7:5,987,081, A>G on the plus strand (T>C on the coding strand, the complement: PMS2 is on the minus strand). VCF-style: chr7-5987081-A-G. GRCh37 (hg19) VCF-style: chr7-6026712-A-G.
Other names: c.1279T>C, p.Phe427Leu (NM_001322003.2, NM_001322004.2, NM_001322005.2 and 1 more transcripts); c.1528T>C, p.Phe510Leu (NM_001322006.2); c.1366T>C, p.Phe456Leu (NM_001322007.2, NM_001322008.2); c.1123T>C, p.Phe375Leu (NM_001322010.2); c.751T>C, p.Phe251Leu (NM_001322011.2, NM_001322012.2); c.1111T>C, p.Phe371Leu (NM_001322013.2); c.1684T>C, p.Phe562Leu (NM_001322014.2); c.1375T>C, p.Phe459Leu (NM_001322015.2); short protein forms F251L, F375L, F427L, F459L, F510L, F371L, F456L, F562L.
Identifiers: ClinVar variation 653879 (VCV000653879.9), dbSNP rs1583316879, ClinGen allele CA366741211.